The following is an entry in ClinVar:

NM_001069.3(TUBB2A):c.602C>G (p.Ser201Cys)

Gene: TUBB2A (tubulin beta 2A class IIa; minus strand). Cytogenetic location: 6p25.2.
Variant type: single nucleotide variant.
Coding change: c.602C>G on transcript NM_001069.3 (MANE Select); coding-DNA position 602, C replaced by G.
Protein change: p.Ser201Cys; replaces serine 201 with cysteine.
Molecular consequence: missense variant.
Genome position (GRCh38, 1-based): chr6:3,154,599, G>C on the plus strand (C>G on the coding strand, the complement: TUBB2A is on the minus strand). VCF-style: chr6-3154599-G-C. GRCh37 (hg19) VCF-style: chr6-3154833-G-C.
Other names: c.347C>G, p.Ser116Cys (NM_001310315.2); short protein forms S201C, S116C.
Identifiers: ClinVar variation 372867 (VCV000372867.5), dbSNP rs1054331, ClinGen allele CA3619008.
Genomic context (GRCh38, chr6:3,154,599, plus strand): 5'-GTGGGGGTGGTCAGCTTCAGGGTGCGGAAGCAGATGTCATACAGGGCCTCGTTATCAATG[G>C]AGTAGGTTTCATCTGTGTTTTCCACCAGCTGGTGGACAGAGAGGGTGGCGTTGTAGGGCT-3'
Protein context (NP_001060.1, residues 191-211): QLVENTDETY[Ser201Cys]IDNEALYDIC

ClinVar aggregate classification (germline): Conflicting classifications of pathogenicity. Review status: criteria provided, conflicting classifications (1 of 4 stars). 3 submissions from 3 submitters: Uncertain significance (2); Likely benign (1). Last evaluated 2026-01-27.

Conditions:
Complex cortical dysplasia with other brain malformations 5. Identifiers: MedGen C3810407, MONDO:0014337, OMIM 615763.

Allele frequency attached by ClinVar (database versions not stated): ExAC 0.00002; gnomAD exomes 0.00002; gnomAD 0.00004.

Submissions (3):

Labcorp Genetics (formerly Invitae), Labcorp
Classification: Likely benign. Last evaluated: 2026-01-27. Review status: criteria provided, single submitter. Criteria: Invitae Variant Classification Sherloc (09022015). Collection method: clinical testing. Allele origin: germline.

Fulgent Genetics
Classification: Uncertain significance for Complex cortical dysplasia with other brain malformations 5. Last evaluated: 2018-10-31. Review status: criteria provided, single submitter. Criteria: ACMG Guidelines, 2015. Collection method: clinical testing. Allele origin: unknown.

GeneDx
Classification: Uncertain significance. Last evaluated: 2016-12-01. Review status: criteria provided, single submitter. Criteria: GeneDx Variant Classification (06012015). Collection method: clinical testing. Allele origin: germline. Affected: yes.
Comment: A variant of uncertain significance has been identified in the TUBB2A gene. The S201C variant has not been published as a pathogenic variant, nor has it been reported as a benign variant to our knowledge. It was not observed in approximately 6,500 individuals of European and African American ancestry in the NHLBI Exome Sequencing Project, indicating it is not a common benign variant in these populations. The S210C variant is a non-conservative amino acid substitution, which is likely to impact secondary protein structure as these residues differ in polarity, charge, size and/or other properties. However, this substitution occurs at a position that is not conserved. In silico analysis predicts this variant likely does not alter the protein structure/function. Therefore, based on the currently available information, it is unclear whether this variant is a pathogenic variant or a rare benign variant.